The following is an entry in ClinVar:

ClinVar aggregate classification (germline): Uncertain significance (1 of 4 stars; one submission).

Conditions:
Hereditary spastic paraplegia 11. Also called: Spastic Paraplegia 11; Spastic paraplegia, mental retardation and thin corpus callosum; Nakamura Osame syndrome; Autosomal recessive hereditary spastic paraplegia, mental impairment, and thin corpus callosum; SPASTIC PARAPLEGIA, AUTOSOMAL RECESSIVE, COMPLICATED, WITH THIN CORPUS CALLOSUM; SPASTIC PARAPLEGIA, AUTOSOMAL RECESSIVE, WITH MENTAL IMPAIRMENT AND THIN CORPUS CALLOSUM. Identifiers: Orphanet 2822, MedGen C1858479, MONDO:0011445, OMIM 604360.

Submission:

Labcorp Genetics (formerly Invitae), Labcorp
Classification: Uncertain significance for Hereditary spastic paraplegia 11. Last evaluated: 2022-03-29. Review status: criteria provided, single submitter. Criteria: Invitae Variant Classification Sherloc (09022015). Collection method: clinical testing. Allele origin: germline.
Comment: In summary, the available evidence is currently insufficient to determine the role of this variant in disease. Therefore, it has been classified as a Variant of Uncertain Significance. Algorithms developed to predict the effect of missense changes on protein structure and function are either unavailable or do not agree on the potential impact of this missense change (SIFT: "Deleterious"; PolyPhen-2: "Possibly Damaging"; Align-GVGD: "Class C0"). This variant has not been reported in the literature in individuals affected with SPG11-related conditions. This variant is not present in population databases (gnomAD no frequency). This sequence change replaces leucine, which is neutral and non-polar, with valine, which is neutral and non-polar, at codon 2203 of the SPG11 protein (p.Leu2203Val).

NM_025137.4(SPG11):c.6607C>G (p.Leu2203Val)

Gene: SPG11 (SPG11 vesicle trafficking associated, spatacsin; minus strand). Cytogenetic location: 15q21.1.
Variant type: single nucleotide variant.
Coding change: c.6607C>G on transcript NM_025137.4 (MANE Select); coding-DNA position 6607, C replaced by G.
Protein change: p.Leu2203Val; replaces leucine 2203 with valine.
Molecular consequence: missense variant.
Genome position (GRCh38, 1-based): chr15:44,567,571, G>C on the plus strand (C>G on the coding strand, the complement: SPG11 is on the minus strand). VCF-style: chr15-44567571-G-C. GRCh37 (hg19) VCF-style: chr15-44859769-G-C.
Other names: c.6268C>G, p.Leu2090Val (NM_001160227.2); c.6463C>G, p.Leu2155Val (NM_001411132.1); short protein forms L2203V, L2155V, L2090V.
Identifiers: ClinVar variation 2119402 (VCV002119402.4), dbSNP rs984421764, ClinGen allele CA392215391.